The following is an entry in ClinVar:

NM_016219.5(MAN1B1):c.772C>T (p.Leu258=)

Gene: MAN1B1 (mannosidase alpha class 1B member 1; plus strand). Cytogenetic location: 9q34.3.
Variant type: single nucleotide variant.
Coding change: c.772C>T on transcript NM_016219.5 (MANE Select); coding-DNA position 772, C replaced by T.
Protein change: p.Leu258=; no amino-acid change (leucine 258 retained).
Molecular consequence: synonymous variant. On other transcripts: non-coding transcript variant (2).
Genome position (GRCh38, 1-based): chr9:137,099,737, C>T. VCF-style: chr9-137099737-C-T. GRCh37 (hg19) VCF-style: chr9-139994189-C-T.
Other names: c.664C>T, p.Leu222= (NM_007230.1).
Identifiers: ClinVar variation 3047561 (VCV003047561.2), dbSNP rs2538324009, ClinGen allele CA467777337.

ClinVar aggregate classification (germline): Likely benign (0 of 4 stars; one submission).

Conditions:
MAN1B1-related disorder. Also called: MAN1B1-related disorders; MAN1B1-related condition.

Allele frequency attached by ClinVar (database versions not stated): gnomAD exomes below 0.00001.

Submission:

PreventionGenetics, part of Exact Sciences
Classification: Likely benign for MAN1B1-related condition. Last evaluated: 2019-02-22. Review status: no assertion criteria provided. Collection method: clinical testing. Allele origin: germline.
Comment: This variant is classified as likely benign based on ACMG/AMP sequence variant interpretation guidelines (Richards et al. 2015 PMID: 25741868, with internal and published modifications).